The following is an entry in ClinVar:

NM_152906.7(TANGO2):c.133G>A (p.Glu45Lys)

Gene: TANGO2 (transport and golgi organization 2 homolog; plus strand). Cytogenetic location: 22q11.21.
Variant type: single nucleotide variant.
Coding change: c.133G>A on transcript NM_152906.7 (MANE Select); coding-DNA position 133, G replaced by A.
Protein change: p.Glu45Lys; replaces glutamic acid 45 with lysine.
Molecular consequence: missense variant. On other transcripts: 5 prime UTR variant (12), non-coding transcript variant (5).
Genome position (GRCh38, 1-based): chr22:20,043,431, G>A. VCF-style: chr22-20043431-G-A. GRCh37 (hg19) VCF-style: chr22-20030954-G-A.
Other names: c.133G>A, p.Glu45Lys (NM_001283106.3, NM_001283116.3, NM_001283148.3 and 10 more transcripts); c.256G>A, p.Glu86Lys (NM_001283129.3, NM_001283215.3, NM_001322141.2 and 5 more transcripts); c.-47G>A (NM_001283235.3, NM_001322146.2, NM_001322148.2 and 9 more transcripts); short protein forms E86K, E45K.
Identifiers: ClinVar variation 1508381 (VCV001508381.4), dbSNP rs761011447, ClinGen allele CA10106204.
Genomic context (GRCh38, chr22:20,043,431, plus strand): 5'-AACAGGGATGAATTCTACAGCCGACCCTCCAAGTTAGCTGACTTCTGGGGGAACAACAAC[G>A]AGATCCTCAGTGGTGAGTCTTCCTGCGTGCTCAGCGGTGGCTGCGCCTTGTTGCTTCCCT-3'
Protein context (NP_690870.3, residues 35-55): KLADFWGNNN[Glu45Lys]ILSGLDMEEG

ClinVar aggregate classification (germline): Uncertain significance (1 of 4 stars; one submission).

Allele frequency attached by ClinVar (database versions not stated): ExAC 0.00001; gnomAD 0.00001; gnomAD exomes 0.00001 and 0.00002.
gnomAD v4.1: 13 of 1,612,508 alleles (0.00081%); highest among the groups gnomAD compares: East Asian, 0.0089%; no homozygotes.

Submission:

Labcorp Genetics (formerly Invitae), Labcorp
Classification: Uncertain significance. Last evaluated: 2024-08-12. Review status: criteria provided, single submitter. Criteria: Invitae Variant Classification Sherloc (09022015). Collection method: clinical testing. Allele origin: germline.
Comment: This sequence change replaces glutamic acid, which is acidic and polar, with lysine, which is basic and polar, at codon 45 of the TANGO2 protein (p.Glu45Lys). This variant is present in population databases (rs761011447, gnomAD 0.009%). This variant has not been reported in the literature in individuals affected with TANGO2-related conditions. An algorithm developed to predict the effect of missense changes on protein structure and function (PolyPhen-2) suggests that this variant is likely to be disruptive. In summary, the available evidence is currently insufficient to determine the role of this variant in disease. Therefore, it has been classified as a Variant of Uncertain Significance.